The following is an entry in ClinVar:

NM_000038.6(APC):c.934-120G>C

Gene: APC (APC regulator of WNT signaling pathway; plus strand). Cytogenetic location: 5q22.2.
Variant type: single nucleotide variant.
Coding change: c.934-120G>C on transcript NM_000038.6 (MANE Select); 120 bases into the intron before coding-DNA position 934, G replaced by C.
Molecular consequence: intron variant.
Genome position (GRCh38, 1-based): chr5:112,818,846, G>C. VCF-style: chr5-112818846-G-C. GRCh37 (hg19) VCF-style: chr5-112154543-G-C.
Other names: c.934-120G>C (NM_001354895.2, NM_001127510.3, NM_001354896.2); c.964-120G>C (NM_001354897.2); c.964-423G>C (NM_001354902.2); c.880-120G>C (NM_001127511.3); c.859-120G>C (NM_001354898.2); c.859-423G>C (NM_001354904.2); c.85-120G>C (NM_001354906.2); c.934-423G>C (NM_001354903.2); and 3 more.
Identifiers: ClinVar variation 82567 (VCV000082567.2), dbSNP rs78526198, ClinGen allele CA015843.

ClinVar aggregate classification (germline): other (0 of 4 stars; one submission).

Conditions:
Familial colorectal cancer. Identifiers: MedGen CN280943, MONDO:0023113. Disease mechanism: loss of function.

Submission:

Systems Biology Platform Zhejiang California International NanoSystems Institute
Classification: other for Familial colorectal cancer. Review status: no assertion criteria provided. Collection method: not provided. Allele origin: unknown.
ClinVar note: Converted during submission from cancer to other.